The following is an entry in ClinVar:

NM_003613.4(CILP):c.2800C>T (p.Pro934Ser)

Gene: CILP (cartilage intermediate layer protein; minus strand). Cytogenetic location: 15q22.31.
Variant type: single nucleotide variant.
Coding change: c.2800C>T on transcript NM_003613.4 (MANE Select); coding-DNA position 2800, C replaced by T.
Protein change: p.Pro934Ser; replaces proline 934 with serine.
Molecular consequence: missense variant.
Genome position (GRCh38, 1-based): chr15:65,197,486, G>A on the plus strand (C>T on the coding strand, the complement: CILP is on the minus strand). VCF-style: chr15-65197486-G-A. GRCh37 (hg19) VCF-style: chr15-65489824-G-A.
Other names: short protein forms P934S.
Identifiers: ClinVar variation 4868981 (VCV004868981.1).
Genomic context (GRCh38, chr15:65,197,486, plus strand): 5'-AGGCCCTGAATTCCATCGGCTTTGGCCACCATGCCAGATAGTCTTCAGTCCAGCTCATAG[G>A]GTCATCTTCGTTGAAGGGGACTGTGTTGTAGTCATATCGATCCCCCTCAATCTGGTAGAA-3'
Protein context (NP_003604.4, residues 924-944): YNTVPFNEDD[Pro934Ser]MSWTEDYLAW

ClinVar aggregate classification (germline): Uncertain significance (1 of 4 stars; one submission).

gnomAD v4.1: 5 of 1,614,224 alleles (0.00031%); highest among the groups gnomAD compares: Admixed American, 0.0083%; no homozygotes.

Submission:

Ambry Genetics
Classification: Uncertain significance. Last evaluated: 2026-03-23. Review status: criteria provided, single submitter. Criteria: Ambry Variant Classification Scheme 2023. Collection method: clinical testing. Allele origin: germline.
Comment: The c.2800C>T (p.P934S) alteration is located in exon 9 (coding exon 8) of the CILP gene. This alteration results from a C to T substitution at nucleotide position 2800, causing the proline (P) at amino acid position 934 to be replaced by a serine (S). Based on data from gnomAD, the T allele has an overall frequency of 0.002% (4/251452) total alleles studied. The highest observed frequency was 0.012% (4/34578) of Latino alleles. Based on insufficient or conflicting evidence, the clinical significance of this alteration remains unclear.